The following is an entry in ClinVar:

ClinVar aggregate classification (germline): Uncertain significance (1 of 4 stars; one submission).

Submission:

Labcorp Genetics (formerly Invitae), Labcorp
Classification: Uncertain significance. Last evaluated: 2022-08-16. Review status: criteria provided, single submitter. Criteria: Invitae Variant Classification Sherloc (09022015). Collection method: clinical testing. Allele origin: germline.
Comment: In summary, the available evidence is currently insufficient to determine the role of this variant in disease. Therefore, it has been classified as a Variant of Uncertain Significance. This variant has not been reported in the literature in individuals affected with MSH3-related conditions. This variant is not present in population databases (gnomAD no frequency). This variant, c.3315_3317del, is a complex sequence change that results in the deletion of 2 and insertion of 1 amino acid(s) in the MSH3 protein (p.Lys1105_Tyr1106delinsAsn). Experimental studies and prediction algorithms are not available or were not evaluated, and the functional significance of this variant is currently unknown. ClinVar contains an entry for this variant (Variation ID: 1409425).

NM_002439.5(MSH3):c.3315_3317del (p.Lys1105_Tyr1106delinsAsn)

Gene: MSH3 (mutS homolog 3; plus strand). Cytogenetic location: 5q14.1.
Variant type: Deletion.
Coding change: c.3315_3317del on transcript NM_002439.5 (MANE Select); coding-DNA positions 3315 to 3317, 3 bases deleted (GTA; older notation c.3315_3317delGTA).
Protein change: p.Lys1105_Tyr1106delinsAsn.
Molecular consequence: inframe indel.
Genome position (GRCh38, 1-based): chr5:80,875,763-80,875,765, GTA deleted; deleting any 3 consecutive bases within chr5:80,875,762-80,875,765 gives the same sequence; the c. name uses the placement nearest the transcript's 3' end. VCF-style (leftmost placement, unchanged base first): chr5-80875761-AAGT-A. GRCh37 (hg19) VCF-style: chr5-80171580-AAGT-A.
Identifiers: ClinVar variation 1409425 (VCV001409425.8), dbSNP rs2112131714, ClinGen allele CA2573139927.